The following is an entry in ClinVar:

ClinVar aggregate classification (germline): not provided (0 of 4 stars; one submission).

Submission:

Medical Genetics Unit, Ain Shams University Pediatrics Hospital
No classification provided. Review status: no classification provided. Collection method: not provided. Allele origin: not provided.
Comment: Methylmalonic aciduria

NM_000255.4(MMUT):c.-39-1_-39insA

Gene: MMUT (methylmalonyl-CoA mutase; minus strand). Cytogenetic location: 6p12.3.
Variant type: Insertion.
Coding change: c.-39-1_-39insA on transcript NM_000255.4 (MANE Select); the canonical splice acceptor site of the intron before 39 bases upstream of the start codon through 39 bases upstream of the start codon, A inserted.
Molecular consequence: splice acceptor variant.
Genome position: GRCh38 VCF-style: chr6-49459505-C-CT. GRCh37 (hg19) VCF-style: chr6-49427218-C-CT.
Other names: KC594081.1; KC594083.1; KC594089.1.
Identifiers: ClinVar variation 100695 (VCV000100695.1), dbSNP rs483352792, ClinGen allele CA235508.